The following is an entry in ClinVar:

ClinVar aggregate classification (germline): Pathogenic (1 of 4 stars; one submission).

Conditions:
Combined malonic and methylmalonic acidemia. Identifiers: Orphanet 289504, MedGen C3280314, MONDO:0013661, OMIM 614265.

Submission:

Labcorp Genetics (formerly Invitae), Labcorp
Classification: Pathogenic for Combined malonic and methylmalonic acidemia. Last evaluated: 2021-02-08. Review status: criteria provided, single submitter. Criteria: Invitae Variant Classification Sherloc (09022015). Collection method: clinical testing. Allele origin: germline.
Comment: For these reasons, this variant has been classified as Pathogenic. Algorithms developed to predict the effect of sequence changes on RNA splicing suggest that this variant may disrupt the consensus splice site, but this prediction has not been confirmed by published transcriptional studies. This variant has not been reported in the literature in individuals with ACSF3-related conditions. The frequency data for this variant in the population databases is considered unreliable, as metrics indicate poor data quality at this position in the ExAC database. This sequence change creates a premature translational stop signal (p.Val275Phefs*6) in the ACSF3 gene. It is expected to result in an absent or disrupted protein product. Loss-of-function variants in ACSF3 are known to be pathogenic (PMID: 21841779, 26827111).

Literature cited by the submitters: PubMed 21841779; PubMed 26827111.

NC_000016.10:g.89112092del

Gene: ACSF3 (acyl-CoA synthetase family member 3; plus strand). Cytogenetic location: 16q24.3.
Variant type: Deletion.
Genome position: GRCh38 VCF-style: chr16-89112090-AG-A. GRCh37 (hg19) VCF-style: chr16-89178498-AG-A.
Identifiers: ClinVar variation 1074075 (VCV001074075.7), dbSNP rs750594210, ClinGen allele CA8237854.
Genomic context (GRCh38, chr16:89,112,090, plus strand): 5'-GCCTCCGCCACGGGCCCCAGTGCCTGCTCATCTTCCTACCGAGTGCTTCCTTTCCTTCGT[AG>A]GTTTGGGAAAAGTTCTTAAGTTCTGAAACGCCGCGGATCAATGTCTTTATGGCAGTGCCT-3'